The following is an entry in ClinVar:

ClinVar aggregate classification (germline): Uncertain significance (1 of 4 stars; one submission).

Submission:

Labcorp Genetics (formerly Invitae), Labcorp
Classification: Uncertain significance. Last evaluated: 2021-04-03. Review status: criteria provided, single submitter. Criteria: Invitae Variant Classification Sherloc (09022015). Collection method: clinical testing. Allele origin: germline.
Comment: In summary, the available evidence is currently insufficient to determine the role of this variant in disease. Therefore, it has been classified as a Variant of Uncertain Significance. Nucleotide substitutions within the consensus splice site are a relatively common cause of aberrant splicing (PMID: 17576681, 9536098). Algorithms developed to predict the effect of sequence changes on RNA splicing suggest that this variant is not likely to affect RNA splicing, but this prediction has not been confirmed by published transcriptional studies. This variant has not been reported in the literature in individuals with POLG2-related conditions. This variant is not present in population databases (ExAC no frequency). This sequence change affects codon 397 of the POLG2 mRNA. It is a 'silent' change, meaning that it does not change the encoded amino acid sequence of the POLG2 protein. This variant also falls at the last nucleotide of exon 6, which is part of the consensus splice site for this exon.

Literature cited by the submitters: PubMed 17576681; PubMed 9536098.

NM_007215.4(POLG2):c.1191G>A (p.Gln397=)

Genes: MILR1 (mast cell immunoglobulin like receptor 1; plus strand), POLG2 (DNA polymerase gamma 2, accessory subunit; minus strand). Cytogenetic location: 17q23.3.
Variant type: single nucleotide variant.
Coding change: c.1191G>A on transcript NM_007215.4 (MANE Select); coding-DNA position 1191, G replaced by A.
Protein change: p.Gln397=; no amino-acid change (glutamine 397 retained).
Molecular consequence: synonymous variant.
Genome position (GRCh38, 1-based): chr17:64,482,919, C>T on the plus strand (G>A on the coding strand, the complement: POLG2 is on the minus strand). VCF-style: chr17-64482919-C-T. GRCh37 (hg19) VCF-style: chr17-62479036-C-T.
Identifiers: ClinVar variation 1522816 (VCV001522816.6), dbSNP rs2144141877, ClinGen allele CA501454181.